The following is an entry in ClinVar:

ClinVar aggregate classification (germline): Uncertain significance (1 of 4 stars; one submission).

Submission:

Labcorp Genetics (formerly Invitae), Labcorp
Classification: Uncertain significance. Last evaluated: 2022-07-06. Review status: criteria provided, single submitter. Criteria: Invitae Variant Classification Sherloc (09022015). Collection method: clinical testing. Allele origin: germline.
Comment: In summary, the available evidence is currently insufficient to determine the role of this variant in disease. Therefore, it has been classified as a Variant of Uncertain Significance. Experimental studies and prediction algorithms are not available or were not evaluated, and the functional significance of this variant is currently unknown. ClinVar contains an entry for this variant (Variation ID: 1434373). This variant has not been reported in the literature in individuals affected with NR2E3-related conditions. This variant is not present in population databases (gnomAD no frequency). This sequence change replaces alanine with valine at codon 166 of the NR2E3 protein (p.Ala166Val). The alanine residue is weakly conserved and there is a small physicochemical difference between alanine and valine.

NM_014249.4(NR2E3):c.497C>T (p.Ala166Val)

Gene: NR2E3 (nuclear receptor subfamily 2 group E member 3; plus strand). Cytogenetic location: 15q23.
Variant type: single nucleotide variant.
Coding change: c.497C>T on transcript NM_014249.4 (MANE Select); coding-DNA position 497, C replaced by T.
Protein change: p.Ala166Val; replaces alanine 166 with valine.
Molecular consequence: missense variant.
Genome position (GRCh38, 1-based): chr15:71,812,102, C>T. VCF-style: chr15-71812102-C-T. GRCh37 (hg19) VCF-style: chr15-72104442-C-T.
Other names: c.497C>T, p.Ala166Val (NM_016346.4); short protein forms A166V.
Identifiers: ClinVar variation 1434373 (VCV001434373.6), dbSNP rs1223029749, ClinGen allele CA393034757.